The following is an entry in ClinVar:

NM_002317.7(LOX):c.893T>C (p.Met298Thr)

Genes: LOX (lysyl oxidase; minus strand), SRFBP1 (serum response factor binding protein 1; plus strand). Cytogenetic location: 5q23.1.
Variant type: single nucleotide variant.
Coding change: c.893T>C on transcript NM_002317.7 (MANE Select); coding-DNA position 893, T replaced by C.
Protein change: p.Met298Thr; replaces methionine 298 with threonine.
Molecular consequence: missense variant. On other transcripts: initiator codon variant (1).
Genome position (GRCh38, 1-based): chr5:122,074,155, A>G on the plus strand (T>C on the coding strand, the complement: LOX is on the minus strand). VCF-style: chr5-122074155-A-G. GRCh37 (hg19) VCF-style: chr5-121409850-A-G.
Other names: c.203T>C, p.Met68Thr (NM_001178102.2); c.2T>C, p.Met1Thr (NM_001317073.1); short protein forms M68T, M1T, M298T.
Identifiers: ClinVar variation 2042653 (VCV002042653.5), dbSNP rs876657852, ClinGen allele CA360881856.

ClinVar aggregate classification (germline): Uncertain significance (1 of 4 stars; one submission).

Submission:

Labcorp Genetics (formerly Invitae), Labcorp
Classification: Uncertain significance. Last evaluated: 2021-12-14. Review status: criteria provided, single submitter. Criteria: Invitae Variant Classification Sherloc (09022015). Collection method: clinical testing. Allele origin: germline.
Comment: In summary, the available evidence is currently insufficient to determine the role of this variant in disease. Therefore, it has been classified as a Variant of Uncertain Significance. This variant disrupts the p.Met298 amino acid residue in LOX. Other variant(s) that disrupt this residue have been determined to be pathogenic (PMID: 27432961, 32897753). This suggests that this residue is clinically significant, and that variants that disrupt this residue are likely to be disease-causing. Algorithms developed to predict the effect of missense changes on protein structure and function are either unavailable or do not agree on the potential impact of this missense change (SIFT: "Not Available"; PolyPhen-2: "Possibly Damaging"; Align-GVGD: "Not Available"). This variant has not been reported in the literature in individuals affected with LOX-related conditions. This variant is not present in population databases (gnomAD no frequency). This sequence change replaces methionine, which is neutral and non-polar, with threonine, which is neutral and polar, at codon 298 of the LOX protein (p.Met298Thr).

Literature cited by the submitters: PubMed 27432961; PubMed 32897753.